The following is an entry in ClinVar:

ClinVar aggregate classification (germline): Uncertain significance (1 of 4 stars; one submission).

gnomAD v4.1: 4 of 1,608,562 alleles (0.00025%); highest among the groups gnomAD compares: Non-Finnish European, 0.00034%; no homozygotes.

Submission:

CeGaT Center for Human Genetics Tuebingen
Classification: Uncertain significance. Last evaluated: 2024-09-01. Review status: criteria provided, single submitter. Criteria: CeGaT Center For Human Genetics Tuebingen Variant Classification Criteria Version 2. Collection method: clinical testing. Allele origin: germline. Affected: yes. Observed: 1 variant allele.
Comment: CUX2: PM2:Supporting, BP4

NM_015267.4(CUX2):c.480G>C (p.Glu160Asp)

Gene: CUX2 (cut like homeobox 2; plus strand). Cytogenetic location: 12q24.11.
Variant type: single nucleotide variant.
Coding change: c.480G>C on transcript NM_015267.4 (MANE Select); coding-DNA position 480, G replaced by C.
Protein change: p.Glu160Asp; replaces glutamic acid 160 with aspartic acid.
Molecular consequence: missense variant.
Genome position (GRCh38, 1-based): chr12:111,293,489, G>C. VCF-style: chr12-111293489-G-C. GRCh37 (hg19) VCF-style: chr12-111731293-G-C.
Other names: c.294G>C, p.Glu98Asp (NM_001370598.1); short protein forms E160D, E98D.
Identifiers: ClinVar variation 3389238 (VCV003389238.14).
Genomic context (GRCh38, chr12:111,293,489, plus strand): 5'-TCTTTTTCTCCCTGCAGAGCAGAGAGAGGGGACGTCGCCTGCCGGGCCCACGCTGACCGA[G>C]GGAAGCCGCCTCCCAGGCATTCCCGGGAAAGCCCTCCTGACAGAAACCTTGCTGCAGAGA-3'
Protein context (NP_056082.2, residues 150-170): GTSPAGPTLT[Glu160Asp]GSRLPGIPGK